The following is an entry in ClinVar:

NM_000535.7(PMS2):c.133A>G (p.Asn45Asp)

Gene: PMS2 (PMS1 homolog 2, mismatch repair system component; minus strand). Cytogenetic location: 7p22.1.
Variant type: single nucleotide variant.
Coding change: c.133A>G on transcript NM_000535.7 (MANE Select); coding-DNA position 133, A replaced by G.
Protein change: p.Asn45Asp; replaces asparagine 45 with aspartic acid.
Molecular consequence: missense variant. On other transcripts: 5 prime UTR variant (8), non-coding transcript variant (1), intron variant (3).
Genome position (GRCh38, 1-based): chr7:6,005,922, T>C on the plus strand (A>G on the coding strand, the complement: PMS2 is on the minus strand). VCF-style: chr7-6005922-T-C. GRCh37 (hg19) VCF-style: chr7-6045553-T-C.
Other names: c.-273A>G (NM_001322003.2, NM_001322005.2, NM_001322009.2 and 1 more transcripts); c.133A>G, p.Asn45Asp (NM_001322006.2, NM_001322014.2); c.-83A>G (NM_001322007.2); c.-752A>G (NM_001322011.2, NM_001322012.2); c.-352A>G (NM_001322015.2); c.-52-1864A>G (NM_001322008.2); c.-242-1864A>G (NM_001322010.2, NM_001322004.2); short protein forms N45D.
Identifiers: ClinVar variation 1350245 (VCV001350245.14), dbSNP rs1402531091, ClinGen allele CA366745001.

ClinVar aggregate classification (germline): Uncertain significance. Review status: criteria provided, multiple submitters, no conflicts (2 of 4 stars). 4 submissions from 4 submitters: Uncertain significance (4). Last evaluated 2025-02-01.

Conditions:
Hereditary cancer-predisposing syndrome. Also called: Hereditary neoplastic syndrome; Tumor predisposition; Neoplastic Syndromes, Hereditary; Hereditary Cancer Syndrome. Identifiers: Orphanet 140162, MedGen C0027672, MeSH D009386, MONDO:0015356.
Hereditary nonpolyposis colorectal neoplasms. Identifiers: MedGen C0009405, MeSH D003123.
Lynch syndrome 4 (LYNCH4). Also called: Hereditary non-polyposis colorectal cancer, type 4; Colorectal cancer, hereditary nonpolyposis, type 4. Identifiers: Orphanet 144, MedGen C1838333, MONDO:0013699, OMIM 614337. Disease mechanism: loss of function.

Allele frequency attached by ClinVar (database versions not stated): gnomAD 0.00001 and 0.00002.
gnomAD v4.1: 2 of 1,610,768 alleles (0.00012%); highest among the groups gnomAD compares: African/African-American, 0.0027%; no homozygotes.

Submissions (4):

Ambry Genetics
Classification: Uncertain significance for Hereditary cancer-predisposing syndrome. Last evaluated: 2025-02-01. Review status: criteria provided, single submitter. Criteria: Ambry Variant Classification Scheme 2023. Collection method: clinical testing. Allele origin: germline.
Comment: The p.N45D variant (also known as c.133A>G), located in coding exon 2 of the PMS2 gene, results from an A to G substitution at nucleotide position 133. The asparagine at codon 45 is replaced by aspartic acid, an amino acid with highly similar properties. This amino acid position is conserved. In addition, this alteration is predicted to be deleterious by in silico analysis. Since supporting evidence is limited at this time, the clinical significance of this alteration remains unclear.

Labcorp Genetics (formerly Invitae), Labcorp
Classification: Uncertain significance for Hereditary nonpolyposis colorectal neoplasms. Last evaluated: 2024-04-11. Review status: criteria provided, single submitter. Criteria: Invitae Variant Classification Sherloc (09022015). Collection method: clinical testing. Allele origin: germline.
Comment: This sequence change replaces asparagine, which is neutral and polar, with aspartic acid, which is acidic and polar, at codon 45 of the PMS2 protein (p.Asn45Asp). This variant is present in population databases (no rsID available, gnomAD 0.02%). This variant has not been reported in the literature in individuals affected with PMS2-related conditions. ClinVar contains an entry for this variant (Variation ID: 1350245). Advanced modeling performed at Invitae incorporating data from internal and/or published experimental studies (Invitae) indicates that this missense variant is expected to disrupt PMS2 function with a positive predictive value of 95%. In summary, the available evidence is currently insufficient to determine the role of this variant in disease. Therefore, it has been classified as a Variant of Uncertain Significance.

Baylor Genetics
Classification: Uncertain significance for Lynch syndrome 4. Last evaluated: 2023-08-03. Review status: criteria provided, single submitter. Criteria: ACMG Guidelines, 2015. Collection method: clinical testing. Allele origin: unknown.

Color Diagnostics, LLC DBA Color Health
Classification: Uncertain significance for Hereditary cancer-predisposing syndrome. Last evaluated: 2023-05-08. Review status: criteria provided, single submitter. Criteria: ACMG Guidelines, 2015. Collection method: clinical testing. Allele origin: germline.
Comment: This missense variant replaces asparagine with aspartic acid at codon 45 of the PMS2 protein. Computational prediction suggests that this variant may have deleterious impact on protein structure and function (internally defined REVEL score threshold >= 0.7, PMID: 27666373). To our knowledge, functional studies have not been reported for this variant. This variant has not been reported in individuals affected with PMS2-related disorders in the literature. This variant has been identified in 2/31400 chromosomes in the general population by the Genome Aggregation Database (gnomAD). The available evidence is insufficient to determine the role of this variant in disease conclusively. Therefore, this variant is classified as a Variant of Uncertain Significance.